The following is an entry in ClinVar:

NM_012079.6(DGAT1):c.1246G>A (p.Glu416Lys)

Gene: DGAT1 (diacylglycerol O-acyltransferase 1; minus strand). Cytogenetic location: 8q24.3.
Variant type: single nucleotide variant.
Coding change: c.1246G>A on transcript NM_012079.6 (MANE Select); coding-DNA position 1246, G replaced by A.
Protein change: p.Glu416Lys; replaces glutamic acid 416 with lysine.
Molecular consequence: missense variant.
Genome position (GRCh38, 1-based): chr8:144,317,024, C>T on the plus strand (G>A on the coding strand, the complement: DGAT1 is on the minus strand). VCF-style: chr8-144317024-C-T. GRCh37 (hg19) VCF-style: chr8-145540687-C-T.
Other names: short protein forms E416K.
Identifiers: ClinVar variation 2501788 (VCV002501788.3), dbSNP rs1335759761, ClinGen allele CA372608087.

ClinVar aggregate classification (germline): Uncertain significance. Review status: criteria provided, multiple submitters, no conflicts (2 of 4 stars). 2 submissions from 2 submitters: Uncertain significance (2). Last evaluated 2024-10-16.

Conditions:
Congenital diarrhea 7 with exudative enteropathy. Also called: Diarrhea 7. Identifiers: Orphanet 329242, MedGen C4014516, MONDO:0014375, OMIM 615863.

Allele frequency attached by ClinVar (database versions not stated): gnomAD exomes below 0.00001; TOPMed 0.00001.

Submissions (2):

3billion
Classification: Uncertain significance for Congenital diarrhea 7 with exudative enteropathy. Last evaluated: 2024-10-16. Review status: criteria provided, single submitter. Criteria: ACMG Guidelines, 2015. Collection method: clinical testing. Allele origin: germline. Affected: yes.
Comment: The variant is observed at an extremely low frequency in the gnomAD v4.1.0 dataset (total allele frequency: <0.001%). Predicted Consequence/Location: Missense variant. The majority of the known disease-causing variants of this gene are variants expected to result in premature termination of the protein. In silico tool predictions suggest damaging effect of the variant on gene or gene product [REVEL: 0.85 (>=0.6, sensitivity 0.68 and specificity 0.92); 3Cnet: 0.95 (>=0.6, sensitivity 0.72 and precision 0.9)]. The variant has been reported as of uncertain significance (ClinVar ID: VCV002501788). Therefore, this variant is classified as VUS according to the recommendation of ACMG/AMP guideline.

Genomic Medicine Center of Excellence, King Faisal Specialist Hospital and Research Centre
Classification: Uncertain significance for Congenital diarrhea 7 with exudative enteropathy. Last evaluated: 2023-05-08. Review status: criteria provided, single submitter. Criteria: ACMG Guidelines, 2015. Collection method: research. Allele origin: germline. Affected: yes.